The following is an entry in ClinVar:

ClinVar aggregate classification (germline): Uncertain significance (1 of 4 stars; one submission).

gnomAD v4.1: 1 of 1,564,216 alleles (0.000064%); highest among the groups gnomAD compares: Non-Finnish European, 0.000086%; no homozygotes.

Submission:

Ambry Genetics
Classification: Uncertain significance. Last evaluated: 2023-07-12. Review status: criteria provided, single submitter. Criteria: Ambry Variant Classification Scheme 2023. Collection method: clinical testing. Allele origin: germline.
Comment: The p.V88L variant (also known as c.262G>C), located in coding exon 1 of the TERF2IP gene, results from a G to C substitution at nucleotide position 262. The valine at codon 88 is replaced by leucine, an amino acid with highly similar properties. This amino acid position is conserved. In addition, the in silico prediction for this alteration is inconclusive. Since supporting evidence is limited at this time, the clinical significance of this alteration remains unclear.

NM_018975.4(TERF2IP):c.262G>C (p.Val88Leu)

Gene: TERF2IP (TERF2 interacting protein; plus strand). Cytogenetic location: 16q23.1.
Variant type: single nucleotide variant.
Coding change: c.262G>C on transcript NM_018975.4 (MANE Select); coding-DNA position 262, G replaced by C.
Protein change: p.Val88Leu; replaces valine 88 with leucine.
Molecular consequence: missense variant. On other transcripts: non-coding transcript variant (1).
Genome position (GRCh38, 1-based): chr16:75,648,144, G>C. VCF-style: chr16-75648144-G-C. GRCh37 (hg19) VCF-style: chr16-75682042-G-C.
Other names: short protein forms V88L.
Identifiers: ClinVar variation 2623124 (VCV002623124.2), dbSNP rs758270158, ClinGen allele CA396817552.